The following is an entry in ClinVar:

NM_001267550.2(TTN):c.34824T>C (p.Pro11608=)

Gene: TTN (titin; minus strand). Cytogenetic location: 2q31.2.
Variant type: single nucleotide variant.
Coding change: c.34824T>C on transcript NM_001267550.2 (MANE Select); coding-DNA position 34824, T replaced by C.
Protein change: p.Pro11608=; no amino-acid change (proline 11608 retained).
Molecular consequence: synonymous variant. On other transcripts: intron variant (3).
Genome position (GRCh38, 1-based): chr2:178,672,666, A>G on the plus strand (T>C on the coding strand, the complement: TTN is on the minus strand). VCF-style: chr2-178672666-A-G. GRCh37 (hg19) VCF-style: chr2-179537393-A-G.
Other names: c.33702T>C, p.Pro11234= (NM_001256850.1); c.30921T>C, p.Pro10307= (NM_133378.4); c.13283-30349T>C (NM_003319.4); c.13859-30349T>C (NM_133437.4); c.13658-30349T>C (NM_133432.3).
Identifiers: ClinVar variation 699493 (VCV000699493.13), dbSNP rs373476883, ClinGen allele CA1997967.

ClinVar aggregate classification (germline): Likely benign. Review status: criteria provided, single submitter (1 of 4 stars). 2 submissions from 2 submitters: Likely benign (1). 1 of the submissions does not count toward it. Last evaluated 2025-10-01.

Conditions:
TTN-related disorder. Also called: TTN-related condition; TTN-related disease; TTN-related disorders.
Dilated cardiomyopathy 1G (CMD1G). Identifiers: Orphanet 154, MedGen C1858763, MONDO:0011400, OMIM 604145.
Autosomal recessive limb-girdle muscular dystrophy type 2J (LGMDR10). Also called: MUSCULAR DYSTROPHY, LIMB-GIRDLE, AUTOSOMAL RECESSIVE 10; Limb-girdle muscular dystrophy, type 2J. Identifiers: Orphanet 140922, MedGen C1837342, MONDO:0012127, OMIM 608807.

Allele frequency attached by ClinVar (database versions not stated): ExAC 0.00002; gnomAD exomes 0.00003; gnomAD 0.00004; TOPMed 0.00004; ESP Exome Variant Server 0.00009.
gnomAD v4.1: 42 of 1,609,954 alleles (0.0026%); highest among the groups gnomAD compares: African/African-American, 0.004%; no homozygotes.

Submissions (2):

Labcorp Genetics (formerly Invitae), Labcorp
Classification: Likely benign for Dilated cardiomyopathy 1G; Autosomal recessive limb-girdle muscular dystrophy type 2J. Last evaluated: 2025-10-01. Review status: criteria provided, single submitter. Criteria: Invitae Variant Classification Sherloc (09022015). Collection method: clinical testing. Allele origin: germline.

PreventionGenetics, part of Exact Sciences
Classification: Likely benign for TTN-related condition. Last evaluated: 2023-12-27. Review status: no assertion criteria provided. Collection method: clinical testing. Allele origin: germline. Not counted in ClinVar's aggregate classification.
Comment: This variant is classified as likely benign based on ACMG/AMP sequence variant interpretation guidelines (Richards et al. 2015 PMID: 25741868, with internal and published modifications).